The following is an entry in ClinVar:

ClinVar aggregate classification (germline): Likely pathogenic (1 of 4 stars; one submission).

Submission:

Labcorp Genetics (formerly Invitae), Labcorp
Classification: Likely pathogenic. Last evaluated: 2023-12-30. Review status: criteria provided, single submitter. Criteria: Invitae Variant Classification Sherloc (09022015). Collection method: clinical testing. Allele origin: germline.
Comment: This sequence change affects an acceptor splice site in intron 10 of the C2 gene. It is expected to disrupt RNA splicing. Variants that disrupt the donor or acceptor splice site typically lead to a loss of protein function (PMID: 16199547), and loss-of-function variants in C2 are known to be pathogenic (PMID: 1577763, 9616367). This variant is not present in population databases (gnomAD no frequency). This variant has not been reported in the literature in individuals affected with C2-related conditions. Algorithms developed to predict the effect of sequence changes on RNA splicing suggest that this variant may disrupt the consensus splice site. In summary, the currently available evidence indicates that the variant is pathogenic, but additional data are needed to prove that conclusively. Therefore, this variant has been classified as Likely Pathogenic.

Literature cited by the submitters: PubMed 16199547; PubMed 1577763; PubMed 9616367.

NM_000063.6(C2):c.1361-1G>T

Gene: C2 (complement C2; plus strand). Cytogenetic location: 6p21.33.
Variant type: single nucleotide variant.
Coding change: c.1361-1G>T on transcript NM_000063.6 (MANE Select); the canonical splice acceptor site of the intron before coding-DNA position 1361, G replaced by T.
Molecular consequence: splice acceptor variant.
Genome position (GRCh38, 1-based): chr6:31,943,224, G>T. VCF-style: chr6-31943224-G-T. GRCh37 (hg19) VCF-style: chr6-31911001-G-T.
Other names: c.623-1G>T (NM_001282457.2); c.719-1G>T (NM_001178063.3); c.1274-1G>T (NM_001282458.2); c.965-1G>T (NM_001145903.3).
Identifiers: ClinVar variation 2706458 (VCV002706458.3), dbSNP rs2482620081, ClinGen allele CA363376495.